The following is an entry in ClinVar:

NM_001165963.4(SCN1A):c.3233A>C (p.Asp1078Ala)

Genes: SCN1A (sodium voltage-gated channel alpha subunit 1; minus strand), LOC102724058 (uncharacterized LOC102724058; plus strand). Cytogenetic location: 2q24.3.
Variant type: single nucleotide variant.
Coding change: c.3233A>C on transcript NM_001165963.4 (MANE Select); coding-DNA position 3233, A replaced by C.
Protein change: p.Asp1078Ala; replaces aspartic acid 1078 with alanine.
Molecular consequence: missense variant. On other transcripts: non-coding transcript variant (2).
Genome position (GRCh38, 1-based): chr2:166,036,244, T>G on the plus strand (A>C on the coding strand, the complement: SCN1A is on the minus strand). VCF-style: chr2-166036244-T-G. GRCh37 (hg19) VCF-style: chr2-166892754-T-G.
Other names: c.3149A>C, p.Asp1050Ala (NM_001165964.3, NM_001353957.2, NM_001353958.2); c.3233A>C, p.Asp1078Ala (NM_001202435.3, NM_001353948.2); c.3200A>C, p.Asp1067Ala (NM_001353949.2, NM_001353950.2, NM_001353951.2 and 2 more transcripts); c.3197A>C, p.Asp1066Ala (NM_001353954.2, NM_001353955.2); c.3146A>C, p.Asp1049Ala (NM_001353960.2); c.791A>C, p.Asp264Ala (NM_001353961.2); c.3233A>C (NM_001202435.1); short protein forms D1049A, D1050A, D1066A, D1067A, D1078A, D264A.
Identifiers: ClinVar variation 1684141 (VCV001684141.3), dbSNP rs758221668, ClinGen allele CA349059512.

ClinVar aggregate classification (germline): Uncertain significance. Review status: criteria provided, multiple submitters, no conflicts (2 of 4 stars). 2 submissions from 2 submitters: Uncertain significance (2). Last evaluated 2023-04-19.

Conditions:
SCN1A-related disorder. Also called: SCN1A-related conditions; SCN1A-related condition; SCN1A-related disorders.

Allele frequency attached by ClinVar (database versions not stated): gnomAD 0.00001; TOPMed 0.00001.
gnomAD v4.1: 1 of 1,613,798 alleles (0.000062%); highest among the groups gnomAD compares: African/African-American, 0.0013%; no homozygotes.

Submissions (2):

PreventionGenetics, part of Exact Sciences
Classification: Uncertain significance for SCN1A-related condition. Last evaluated: 2023-04-19. Review status: criteria provided, single submitter. Criteria: ACMG Guidelines, 2015. Collection method: clinical testing. Allele origin: germline.
Comment: The SCN1A c.3233A>C variant is predicted to result in the amino acid substitution p.Asp1078Ala. To our knowledge, this variant has not been reported in the literature. This variant is reported in 0.011% of alleles in individuals of African descent in gnomAD. At this time, the clinical significance of this variant is uncertain due to the absence of conclusive functional and genetic evidence.

GeneDx
Classification: Uncertain significance. Last evaluated: 2021-11-11. Review status: criteria provided, single submitter. Criteria: GeneDx Variant Classification Process June 2021. Collection method: clinical testing. Allele origin: germline. Affected: yes.
Comment: Missense variants in this gene are often considered pathogenic (HGMD); In silico analysis supports that this missense variant has a deleterious effect on protein structure/function; Has not been previously published as pathogenic or benign to our knowledge; This substitution is predicted to be in the cytoplasmic loop between the second and third homologous domains